The following is an entry in ClinVar:

NM_018979.4(WNK1):c.3923C>G (p.Ser1308Cys)

Gene: WNK1 (WNK lysine deficient protein kinase 1; plus strand). Cytogenetic location: 12p13.33.
Variant type: single nucleotide variant.
Coding change: c.3923C>G on transcript NM_018979.4 (MANE Select); coding-DNA position 3923, C replaced by G.
Protein change: p.Ser1308Cys; replaces serine 1308 with cysteine.
Molecular consequence: missense variant.
Genome position (GRCh38, 1-based): chr12:884,727, C>G. VCF-style: chr12-884727-C-G. GRCh37 (hg19) VCF-style: chr12-993893-C-G.
Other names: c.4703C>G, p.Ser1568Cys (NM_001184985.2); c.3182C>G, p.Ser1061Cys (NM_014823.3); c.4679C>G, p.Ser1560Cys (NM_213655.5); short protein forms S1061C, S1308C, S1560C, S1568C.
Identifiers: ClinVar variation 2152992 (VCV002152992.4), dbSNP rs2549038743, ClinGen allele CA383330194.
Genomic context (GRCh38, chr12:884,727, plus strand): 5'-AGAGCCCTGGAATGAACTTGTCTCACTCTGCATCATCCCTTAGTCTACAACAGGCCTTTT[C>G]TGAACTTAGACGTGCCCAAATGACAGAAGGACCCAACACAGCACCTCCAAACTTTAGTCA-3'
Protein context (NP_061852.3, residues 1298-1318): ASSLSLQQAF[Ser1308Cys]ELRRAQMTEG

ClinVar aggregate classification (germline): Uncertain significance (1 of 4 stars; one submission).

Conditions:
Neuropathy, hereditary sensory and autonomic, type 2A (HSAN2A). Also called: ACROOSTEOLYSIS, GIACCAI TYPE; ACROOSTEOLYSIS, NEUROGENIC; MORVAN DISEASE; NEUROPATHY, CONGENITAL SENSORY; NEUROPATHY, HEREDITARY SENSORY RADICULAR, AUTOSOMAL RECESSIVE; NEUROPATHY, HEREDITARY SENSORY, TYPE IIA. Identifiers: Orphanet 970, MedGen C2752089, MONDO:0024309, OMIM 201300.
Pseudohypoaldosteronism type 2C (PHA2C). Also called: Pseudohypoaldosteronism Type IIC. Identifiers: Orphanet 757, Orphanet 88940, MedGen C1840391, MONDO:0013778, OMIM 614492.

Submission:

Labcorp Genetics (formerly Invitae), Labcorp
Classification: Uncertain significance for Neuropathy, hereditary sensory and autonomic, type 2A; Pseudohypoaldosteronism type 2C. Last evaluated: 2022-09-21. Review status: criteria provided, single submitter. Criteria: Invitae Variant Classification Sherloc (09022015). Collection method: clinical testing. Allele origin: germline.
Comment: In summary, the available evidence is currently insufficient to determine the role of this variant in disease. Therefore, it has been classified as a Variant of Uncertain Significance. Advanced modeling of protein sequence and biophysical properties (such as structural, functional, and spatial information, amino acid conservation, physicochemical variation, residue mobility, and thermodynamic stability) performed at Invitae indicates that this missense variant is not expected to disrupt WNK1 protein function. This variant has not been reported in the literature in individuals affected with WNK1-related conditions. This variant is not present in population databases (gnomAD no frequency). This sequence change replaces serine, which is neutral and polar, with cysteine, which is neutral and slightly polar, at codon 1560 of the WNK1 protein (p.Ser1560Cys).